The following is an entry in ClinVar:

NM_152564.5(VPS13B):c.351del (p.Lys117fs)

Gene: VPS13B (vacuolar protein sorting 13 homolog B; plus strand). Cytogenetic location: 8q22.2.
Variant type: Deletion.
Coding change: c.351del on transcript NM_152564.5 (MANE Select); coding-DNA position 351, one base deleted (A; older notation c.351delA).
Protein change: p.Lys117fs; shifts the reading frame from lysine 117.
Molecular consequence: frameshift variant. On other transcripts: non-coding transcript variant (1).
Genome position (GRCh38, 1-based): chr8:99,096,371, A deleted; the last of 4 consecutive A bases (chr8:99,096,368-99,096,371); deleting any one gives the same sequence. VCF-style (leftmost placement, unchanged base first): chr8-99096367-CA-C. GRCh37 (hg19) VCF-style: chr8-100108595-CA-C.
Other names: c.351del, p.Lys117fs (NM_015243.3, NM_017890.5, NM_181661.3); short protein forms K117fs.
Identifiers: ClinVar variation 1732246 (VCV001732246.2), dbSNP rs2488605060, ClinGen allele CA2580079109.

ClinVar aggregate classification (germline): Pathogenic (1 of 4 stars; one submission).

Conditions:
Inborn genetic diseases. Identifiers: MedGen C0950123, MeSH D030342.

Submission:

Ambry Genetics
Classification: Pathogenic for Inborn genetic diseases. Last evaluated: 2018-03-06. Review status: criteria provided, single submitter. Criteria: Ambry Variant Classification Scheme 2023. Collection method: clinical testing. Allele origin: germline.
Comment: The c.351delA pathogenic mutation, located in coding exon 3 of the VPS13B gene, results from a deletion of one nucleotide at nucleotide position 351, causing a translational frameshift with a predicted alternate stop codon (p.K117Nfs*27). This alteration is expected to result in loss of function by premature protein truncation or nonsense-mediated mRNA decay. As such, this alteration is interpreted as a disease-causing mutation.